The following is an entry in ClinVar:

NM_032383.5(HPS3):c.2795G>C (p.Arg932Pro)

Genes: CP (ceruloplasmin; minus strand), HPS3 (HPS3 biogenesis of lysosomal organelles complex 2 subunit 1; plus strand). Cytogenetic location: 3q24.
Variant type: single nucleotide variant.
Coding change: c.2795G>C on transcript NM_032383.5 (MANE Select); coding-DNA position 2795, G replaced by C.
Protein change: p.Arg932Pro; replaces arginine 932 with proline.
Molecular consequence: missense variant.
Genome position (GRCh38, 1-based): chr3:149,167,239, G>C. VCF-style: chr3-149167239-G-C. GRCh37 (hg19) VCF-style: chr3-148885026-G-C.
Other names: c.2300G>C, p.Arg767Pro (NM_001308258.2); short protein forms R767P, R932P.
Identifiers: ClinVar variation 1716865 (VCV001716865.5), dbSNP rs777890661, ClinGen allele CA354926128.
Genomic context (GRCh38, chr3:149,167,239, plus strand): 5'-TAGAGAGATGCCCGGAGGCAGTCATTCCATATGCTAATCATGAACTGAAAGAAGAGAACC[G>C]GGTATGCTTTTTCAGATTATGTTTTTAGGCTTGATCAGTGATAATCAGATCTGATAACCT-3'
Protein context (NP_115759.2, residues 922-942): YANHELKEEN[Arg932Pro]TLWWKKLLPE

ClinVar aggregate classification (germline): Uncertain significance (1 of 4 stars; one submission).

gnomAD v4.1: 2 of 1,609,748 alleles (0.00012%); highest among the groups gnomAD compares: Non-Finnish European, 0.000085%; no homozygotes.

Submission:

Labcorp Genetics (formerly Invitae), Labcorp
Classification: Uncertain significance. Last evaluated: 2022-08-19. Review status: criteria provided, single submitter. Criteria: Invitae Variant Classification Sherloc (09022015). Collection method: clinical testing. Allele origin: germline.
Comment: In summary, the available evidence is currently insufficient to determine the role of this variant in disease. Therefore, it has been classified as a Variant of Uncertain Significance. Algorithms developed to predict the effect of missense changes on protein structure and function are either unavailable or do not agree on the potential impact of this missense change (SIFT: "Tolerated"; PolyPhen-2: "Probably Damaging"; Align-GVGD: "Class C0"). This variant has not been reported in the literature in individuals affected with HPS3-related conditions. This variant is not present in population databases (gnomAD no frequency). This sequence change replaces arginine, which is basic and polar, with proline, which is neutral and non-polar, at codon 932 of the HPS3 protein (p.Arg932Pro).